The following is an entry in ClinVar:

NM_001267550.2(TTN):c.56246T>A (p.Leu18749Ter)

Genes: TTN (titin; minus strand), TTN-AS1 (TTN antisense RNA 1; plus strand). Cytogenetic location: 2q31.2.
Variant type: single nucleotide variant.
Coding change: c.56246T>A on transcript NM_001267550.2 (MANE Select); coding-DNA position 56246, T replaced by A.
Protein change: p.Leu18749Ter; replaces leucine 18749 with a stop codon.
Molecular consequence: nonsense. On other transcripts: non-coding transcript variant (1).
Genome position (GRCh38, 1-based): chr2:178,599,655, A>T on the plus strand (T>A on the coding strand, the complement: TTN is on the minus strand). VCF-style: chr2-178599655-A-T. GRCh37 (hg19) VCF-style: chr2-179464382-A-T.
Other names: c.51323T>A, p.Leu17108Ter (NM_001256850.1); c.29051T>A, p.Leu9684Ter (NM_003319.4); c.48542T>A, p.Leu16181Ter (NM_133378.4); c.29426T>A, p.Leu9809Ter (NM_133432.3); c.29627T>A, p.Leu9876Ter (NM_133437.4); short protein forms L16181*, L18749*, L9809*, L9684*, L9876*, L17108*.
Identifiers: ClinVar variation 3463726 (VCV003463726.2).

ClinVar aggregate classification (germline): Likely pathogenic. Review status: criteria provided, multiple submitters, no conflicts (2 of 4 stars). 2 submissions from 2 submitters: Likely pathogenic (2). Last evaluated 2024-07-12.

Conditions:
Cardiovascular phenotype. Identifiers: MedGen CN230736.
Dilated cardiomyopathy 1G (CMD1G). Identifiers: Orphanet 154, MedGen C1858763, MONDO:0011400, OMIM 604145.

Submissions (2):

Ambry Genetics
Classification: Likely pathogenic for Cardiovascular phenotype. Last evaluated: 2024-07-12. Review status: criteria provided, single submitter. Criteria: Ambry Variant Classification Scheme 2023. Collection method: clinical testing. Allele origin: germline.
Comment: The p.L9684* variant (also known as c.29051T>A), located in coding exon 116 of the TTN gene, results from a T to A substitution at nucleotide position 29051. This changes the amino acid from a leucine to a stop codon within coding exon 116. This exon is located in the A-band region of the N2-B isoform of the titin protein and is constitutively expressed in TTN transcripts (percent spliced in or PSI 100%). This variant is considered to be rare based on population cohorts in the Genome Aggregation Database (gnomAD). This alteration is expected to result in loss of function by premature protein truncation or nonsense-mediated mRNA decay. While truncating variants in TTN are present in 1-3% of the general population, truncating variants in the A-band are the most common cause of dilated cardiomyopathy (DCM) (Herman DS et al. N. Engl. J. Med., 2012 Feb;366:619-28; Roberts AM et al. Sci Transl Med, 2015 Jan;7:270ra6). TTN truncating variants encoded in constitutive exons (PSI >90%) have been found to be significantly associated with DCM regardless of their position in titin (Schafer S et al. Nat. Genet., 2017 01;49:46-53). Based on the majority of available evidence to date, this variant is likely to be pathogenic.

Clinical Genetics Service, Universitary Hospital 12 de Octubre
Classification: Likely pathogenic for Dilated cardiomyopathy 1G. Review status: criteria provided, single submitter. Criteria: ACMG Guidelines, 2015. Collection method: clinical testing. Allele origin: germline. Affected: yes.